The following is an entry in ClinVar:

ClinVar aggregate classification (germline): Pathogenic (1 of 4 stars; one submission).

Conditions:
Familial cancer of breast. Also called: hereditary breast carcinoma; BREAST CANCER, FAMILIAL; Hereditary breast cancer. Identifiers: Orphanet 227535, MedGen C0346153, MONDO:0016419, OMIM 114480. Disease mechanism: loss of function.

Submission:

Labcorp Genetics (formerly Invitae), Labcorp
Classification: Pathogenic for Familial cancer of breast. Last evaluated: 2023-02-02. Review status: criteria provided, single submitter. Criteria: Invitae Variant Classification Sherloc (09022015). Collection method: clinical testing. Allele origin: germline.
Comment: For these reasons, this variant has been classified as Pathogenic. This variant has not been reported in the literature in individuals affected with CHEK2-related conditions. This variant is not present in population databases (gnomAD no frequency). This sequence change creates a premature translational stop signal (p.Ser5*) in the CHEK2 gene. It is expected to result in an absent or disrupted protein product. Loss-of-function variants in CHEK2 are known to be pathogenic (PMID: 21876083, 24713400).

Literature cited by the submitters: PubMed 21876083; PubMed 24713400.

NM_007194.4(CHEK2):c.14C>A (p.Ser5Ter)

Gene: CHEK2 (checkpoint kinase 2; minus strand). Cytogenetic location: 22q12.1.
Variant type: single nucleotide variant.
Coding change: c.14C>A on transcript NM_007194.4 (MANE Select); coding-DNA position 14, C replaced by A.
Protein change: p.Ser5Ter; replaces serine 5 with a stop codon.
Molecular consequence: nonsense.
Genome position (GRCh38, 1-based): chr22:28,734,708, G>T on the plus strand (C>A on the coding strand, the complement: CHEK2 is on the minus strand). VCF-style: chr22-28734708-G-T. GRCh37 (hg19) VCF-style: chr22-29130696-G-T.
Other names: c.14C>A, p.Ser5Ter (NM_001005735.3, NM_001349956.3, NM_145862.3); c.-764C>A (NM_001257387.3); short protein forms S5*.
Identifiers: ClinVar variation 2833847 (VCV002833847.3), dbSNP rs201084748, ClinGen allele CA411092104.